The following is an entry in ClinVar:

ClinVar aggregate classification (germline): Uncertain significance (1 of 4 stars; one submission).

Submission:

Labcorp Genetics (formerly Invitae), Labcorp
Classification: Uncertain significance. Last evaluated: 2025-04-21. Review status: criteria provided, single submitter. Criteria: Invitae Variant Classification Sherloc (09022015). Collection method: clinical testing. Allele origin: germline.
Comment: This sequence change replaces glutamine, which is neutral and polar, with histidine, which is basic and polar, at codon 3012 of the MACF1 protein (p.Gln3012His). This variant is not present in population databases (gnomAD no frequency). This variant has not been reported in the literature in individuals affected with MACF1-related conditions. ClinVar contains an entry for this variant (Variation ID: 2796191). An algorithm developed to predict the effect of missense changes on protein structure and function (PolyPhen-2) suggests that this variant is likely to be disruptive. In summary, the available evidence is currently insufficient to determine the role of this variant in disease. Therefore, it has been classified as a Variant of Uncertain Significance.

NM_001394062.1(MACF1):c.15222G>T (p.Gln5074His)

Gene: MACF1 (microtubule actin crosslinking factor 1; plus strand). Cytogenetic location: 1p34.3.
Variant type: single nucleotide variant.
Coding change: c.15222G>T on transcript NM_001394062.1 (MANE Select); coding-DNA position 15222, G replaced by T.
Protein change: p.Gln5074His; replaces glutamine 5074 with histidine.
Molecular consequence: missense variant.
Genome position (GRCh38, 1-based): chr1:39,388,064, G>T. VCF-style: chr1-39388064-G-T. GRCh37 (hg19) VCF-style: chr1-39853736-G-T.
Other names: c.9036G>T, p.Gln3012His (NM_012090.5); short protein forms Q5074H, Q3012H.
Identifiers: ClinVar variation 2796191 (VCV002796191.3), dbSNP rs2522642877, ClinGen allele CA339744160.